The following is an entry in ClinVar:

NM_001033855.3(DCLRE1C):c.465-2A>C

Gene: DCLRE1C (DNA cross-link repair 1C; minus strand). Cytogenetic location: 10p13.
Variant type: single nucleotide variant.
Coding change: c.465-2A>C on transcript NM_001033855.3 (MANE Select); the canonical splice acceptor site of the intron before coding-DNA position 465, A replaced by C.
Molecular consequence: splice acceptor variant.
Genome position (GRCh38, 1-based): chr10:14,934,777, T>G on the plus strand (A>C on the coding strand, the complement: DCLRE1C is on the minus strand). VCF-style: chr10-14934777-T-G. GRCh37 (hg19) VCF-style: chr10-14976776-T-G.
Other names: c.120-2A>C (NM_001350966.2, NM_001289078.2, NM_001289076.2 and 1 more transcripts); c.465-2A>C (NM_001350965.2); c.105-2A>C (NM_001350967.2, NM_001289077.2, NM_001289079.2 and 2 more transcripts).
Identifiers: ClinVar variation 1494117 (VCV001494117.11), dbSNP rs1839625956, ClinGen allele CA376060019.

ClinVar aggregate classification (germline): Likely pathogenic. Review status: criteria provided, multiple submitters, no conflicts (2 of 4 stars). 3 submissions from 3 submitters: Likely pathogenic (3). Last evaluated 2026-01-17.

Conditions:
Histiocytic medullary reticulosis. Also called: SEVERE COMBINED IMMUNODEFICIENCY WITH HYPEREOSINOPHILIA; Omenn syndrome. Identifiers: Orphanet 39041, MedGen C2700553, MONDO:0011338, OMIM 603554.
Severe combined immunodeficiency due to DCLRE1C deficiency (RS-SCID). Also called: SCID, AUTOSOMAL RECESSIVE, T CELL-NEGATIVE, B CELL-NEGATIVE, NK CELL-POSITIVE, WITH SENSITIVITY TO IONIZING RADIATION. Identifiers: Orphanet 275, MedGen C1865371, MONDO:0011225, OMIM 602450.

Allele frequency attached by ClinVar (database versions not stated): gnomAD exomes 0.00001.
gnomAD v4.1: 21 of 1,610,324 alleles (0.0013%); highest among the groups gnomAD compares: Non-Finnish European, 0.0017%; no homozygotes.

Submissions (4):

Labcorp Genetics (formerly Invitae), Labcorp
Classification: Likely pathogenic for Athabaskan severe combined immunodeficiency. Last evaluated: 2026-01-17. Review status: criteria provided, single submitter. Criteria: Invitae Variant Classification Sherloc (09022015). Collection method: clinical testing. Allele origin: germline.
Comment: This sequence change affects an acceptor splice site in intron 6 of the DCLRE1C gene. It is expected to disrupt RNA splicing. Variants that disrupt the donor or acceptor splice site typically lead to a loss of protein function (PMID: 16199547), and loss-of-function variants in DCLRE1C are known to be pathogenic (PMID: 21664875, 26123418). This variant is not present in population databases (gnomAD no frequency). This variant has not been reported in the literature in individuals affected with DCLRE1C-related conditions. ClinVar contains an entry for this variant (Variation ID: 1494117). Algorithms developed to predict the effect of sequence changes on RNA splicing suggest that this variant may disrupt the consensus splice site. In summary, the currently available evidence indicates that the variant is pathogenic, but additional data are needed to prove that conclusively. Therefore, this variant has been classified as Likely Pathogenic.

Fulgent Genetics
Classification: Likely pathogenic for Severe combined immunodeficiency due to DCLRE1C deficiency; Histiocytic medullary reticulosis. Last evaluated: 2024-01-26. Review status: criteria provided, single submitter. Criteria: ACMG Guidelines, 2015. Collection method: clinical testing. Allele origin: germline.

Baylor Genetics
Classification: Likely pathogenic for Histiocytic medullary reticulosis. Last evaluated: 2023-04-16. Review status: criteria provided, single submitter. Criteria: ACMG Guidelines, 2015. Collection method: clinical testing. Allele origin: unknown.

Dr. Peter K. Rogan Lab, Western University
No classification provided (evidence only). Condition: Thyroid cancer, nonmedullary, 1. Review status: no classification provided. Collection method: in vitro. Allele origin: not applicable. Functional consequence: retained intron. Not counted in ClinVar's aggregate classification.

Literature cited by the submitters: PubMed 16199547 (cited by Labcorp Genetics (formerly Invitae), Labcorp); PubMed 21664875 (cited by Labcorp Genetics (formerly Invitae), Labcorp); PubMed 26123418 (cited by Labcorp Genetics (formerly Invitae), Labcorp).